The following is an entry in ClinVar:

ClinVar aggregate classification (germline): Uncertain significance. Review status: criteria provided, multiple submitters, no conflicts (2 of 4 stars). 2 submissions from 2 submitters: Uncertain significance (2). Last evaluated 2023-05-05.

Conditions:
Hereditary sensory and autonomic neuropathy type 6. Also called: Neuropathy, hereditary sensory and autonomic, type VI; HSAN VI. Identifiers: Orphanet 314381, MedGen C3539003, MONDO:0013839, OMIM 614653.
Epidermolysis bullosa simplex 3, localized or generalized intermediate, with BP230 deficiency (EBS3). Also called: Epidermolysis bullosa simplex, autosomal recessive 2; Epidermolysis bullosa simplex due to BP230 deficiency. Identifiers: Orphanet 412181, MedGen C3809470, MONDO:0014180, OMIM 615425.

Allele frequency attached by ClinVar (database versions not stated): gnomAD 0.00001.
gnomAD v4.1: 9 of 1,613,882 alleles (0.00056%); highest among the groups gnomAD compares: Admixed American, 0.01%; no homozygotes.

Submissions (2):

Blueprint Genetics
Classification: Uncertain significance. Last evaluated: 2023-05-05. Review status: criteria provided, single submitter. Criteria: ACMG Guidelines, 2015. Collection method: clinical testing. Allele origin: germline.

Labcorp Genetics (formerly Invitae), Labcorp
Classification: Uncertain significance for Epidermolysis bullosa simplex 3, localized or generalized intermediate, with BP230 deficiency; Hereditary sensory and autonomic neuropathy type 6. Last evaluated: 2022-04-16. Review status: criteria provided, single submitter. Criteria: Invitae Variant Classification Sherloc (09022015). Collection method: clinical testing. Allele origin: germline.
Comment: This sequence change replaces threonine, which is neutral and polar, with isoleucine, which is neutral and non-polar, at codon 2395 of the DST protein (p.Thr2395Ile). This variant is present in population databases (no rsID available, gnomAD 0.009%). This variant has not been reported in the literature in individuals affected with DST-related conditions. ClinVar contains an entry for this variant (Variation ID: 1063163). Algorithms developed to predict the effect of missense changes on protein structure and function are either unavailable or do not agree on the potential impact of this missense change (SIFT: "Deleterious"; PolyPhen-2: "Benign"; Align-GVGD: "Class C15"). In summary, the available evidence is currently insufficient to determine the role of this variant in disease. Therefore, it has been classified as a Variant of Uncertain Significance.

NM_001723.7(DST):c.7184C>T (p.Thr2395Ile)

Gene: DST (dystonin; minus strand). Cytogenetic location: 6p12.1.
Variant type: single nucleotide variant.
Coding change: c.7184C>T on transcript NM_001723.7 (MANE Plus Clinical); coding-DNA position 7184, C replaced by T.
Protein change: p.Thr2395Ile; replaces threonine 2395 with isoleucine.
Molecular consequence: missense variant. On other transcripts: intron variant (10).
Genome position (GRCh38, 1-based): chr6:56,616,283, G>A on the plus strand (C>T on the coding strand, the complement: DST is on the minus strand). VCF-style: chr6-56616283-G-A. GRCh37 (hg19) VCF-style: chr6-56481081-G-A.
Other names: c.4831-1799C>T (NM_001144769.5); c.4930-1799C>T (NM_001374722.1, NM_001374736.1); c.4957-1799C>T (NM_001374734.1); c.4417-1799C>T (NM_001144770.2); c.4297-1799C>T (NM_001374730.1, NM_001386100.1, NM_183380.4 and 1 more transcripts); c.3319-1799C>T (NM_015548.5); short protein forms T2395I.
Identifiers: ClinVar variation 1063163 (VCV001063163.7), dbSNP rs766230683, ClinGen allele CA139205495.